The following is an entry in ClinVar:

ClinVar aggregate classification (germline): Uncertain significance. Review status: criteria provided, multiple submitters, no conflicts (2 of 4 stars). 6 submissions from 6 submitters: Uncertain significance (5). 1 of the submissions does not count toward it. Last evaluated 2025-09-09.

Conditions:
Hereditary cancer-predisposing syndrome. Also called: Neoplastic Syndromes, Hereditary; Tumor predisposition; Hereditary neoplastic syndrome; Hereditary Cancer Syndrome. Identifiers: Orphanet 140162, MedGen C0027672, MeSH D009386, MONDO:0015356.
Microcephaly, normal intelligence and immunodeficiency (NBS). Also called: Immunodeficiency, microcephaly with normal intelligence; IMMUNODEFICIENCY, MICROCEPHALY, AND CHROMOSOMAL INSTABILITY; Ataxia telangiectasia variant V1; Nijmegen breakage syndrome; Microcephaly with normal intelligence immunodeficiency and lymphoreticular malignancies; Nonsyndromal microcephaly autosomal recessive with normal intelligence. Identifiers: Orphanet 647, MedGen C0398791, MONDO:0009623, OMIM 251260.

Allele frequency attached by ClinVar (database versions not stated): gnomAD exomes below 0.00001; TOPMed 0.00001; gnomAD 0.00002.
gnomAD v4.1: 5 of 1,613,918 alleles (0.00031%); highest among the groups gnomAD compares: African/African-American, 0.0067%; no homozygotes.

Submissions (6):

Myriad Genetics, Inc.
Classification: Uncertain significance for Microcephaly, normal intelligence and immunodeficiency. Last evaluated: 2025-09-09. Review status: criteria provided, single submitter. Criteria: Myriad Autosomal Dominant, Autosomal Recessive and X-Linked Classification Criteria (2023). Collection method: clinical testing. Allele origin: unknown.
Comment: NM_002485.4(NBN):c.301G>A(V101M) is a missense variant classified as a variant of uncertain significance in the context of Nijmegen breakage syndrome. V101M has not been observed in cases with relevant disease. Relevant functional assessments of this variant are not available in the literature. V101M has not been observed in referenced population frequency databases. In summary, there is insufficient evidence to classify NM_002485.4(NBN):c.301G>A(V101M) as pathogenic or benign. Please note: this variant was assessed in the context of healthy population screening.

Labcorp Genetics (formerly Invitae), Labcorp
Classification: Uncertain significance for Microcephaly, normal intelligence and immunodeficiency. Last evaluated: 2023-07-10. Review status: criteria provided, single submitter. Criteria: Invitae Variant Classification Sherloc (09022015). Collection method: clinical testing. Allele origin: germline.
Comment: This variant is present in population databases (rs786202139, gnomAD 0.01%). In summary, the available evidence is currently insufficient to determine the role of this variant in disease. Therefore, it has been classified as a Variant of Uncertain Significance. An algorithm developed to predict the effect of missense changes on protein structure and function (PolyPhen-2) suggests that this variant is likely to be disruptive. ClinVar contains an entry for this variant (Variation ID: 185392). This variant has not been reported in the literature in individuals affected with NBN-related conditions. This sequence change replaces valine, which is neutral and non-polar, with methionine, which is neutral and non-polar, at codon 101 of the NBN protein (p.Val101Met).

Ambry Genetics
Classification: Uncertain significance for Hereditary cancer-predisposing syndrome. Last evaluated: 2023-05-16. Review status: criteria provided, single submitter. Criteria: Ambry Variant Classification Scheme 2023. Collection method: clinical testing. Allele origin: germline.
Comment: The p.V101M variant (also known as c.301G>A), located in coding exon 3 of the NBN gene, results from a G to A substitution at nucleotide position 301. The valine at codon 101 is replaced by methionine, an amino acid with highly similar properties. This amino acid position is highly conserved in available vertebrate species. In addition, the in silico prediction for this alteration is inconclusive. Since supporting evidence is limited at this time, the clinical significance of this alteration remains unclear.

Genome-Nilou Lab
Classification: Uncertain significance for Microcephaly, normal intelligence and immunodeficiency. Last evaluated: 2021-11-07. Review status: criteria provided, single submitter. Criteria: ACMG Guidelines, 2015. Collection method: clinical testing. Allele origin: germline. Affected: no.

GeneDx
Classification: Uncertain significance. Last evaluated: 2020-08-24. Review status: criteria provided, single submitter. Criteria: GeneDx Variant Classification Process June 2021. Collection method: clinical testing. Allele origin: germline. Affected: yes.
Comment: Not observed at a significant frequency in large population cohorts (Lek 2016); In silico analysis supports that this missense variant does not alter protein structure/function; Has not been previously published as pathogenic or benign to our knowledge

Natera, Inc.
Classification: Uncertain significance for Nijmegen breakage syndrome. Last evaluated: 2020-11-02. Review status: no assertion criteria provided. Collection method: clinical testing. Allele origin: germline. Not counted in ClinVar's aggregate classification.

NM_002485.5(NBN):c.301G>A (p.Val101Met)

Gene: NBN (nibrin; minus strand). Cytogenetic location: 8q21.3.
Variant type: single nucleotide variant.
Coding change: c.301G>A on transcript NM_002485.5 (MANE Select); coding-DNA position 301, G replaced by A.
Protein change: p.Val101Met; replaces valine 101 with methionine.
Molecular consequence: missense variant.
Genome position (GRCh38, 1-based): chr8:89,981,394, C>T on the plus strand (G>A on the coding strand, the complement: NBN is on the minus strand). VCF-style: chr8-89981394-C-T. GRCh37 (hg19) VCF-style: chr8-90993622-C-T.
Other names: c.55G>A, p.Val19Met (NM_001024688.3); short protein forms V101M, V19M.
Identifiers: ClinVar variation 185392 (VCV000185392.23), dbSNP rs786202139, ClinGen allele CA191801.